The following is an entry in ClinVar:

ClinVar aggregate classification (germline): Conflicting classifications of pathogenicity. Review status: criteria provided, conflicting classifications (1 of 4 stars). 3 submissions from 3 submitters: Uncertain significance (2); Likely benign (1). Last evaluated 2025-10-18.

Conditions:
Hereditary cancer-predisposing syndrome. Also called: Neoplastic Syndromes, Hereditary; Hereditary neoplastic syndrome; Hereditary Cancer Syndrome; Tumor predisposition. Identifiers: Orphanet 140162, MedGen C0027672, MeSH D009386, MONDO:0015356.
Familial cancer of breast. Also called: Hereditary breast cancer; hereditary breast carcinoma; BREAST CANCER, FAMILIAL. Identifiers: Orphanet 227535, MedGen C0346153, MONDO:0016419, OMIM 114480. Disease mechanism: loss of function.

Submissions (3):

Ambry Genetics
Classification: Uncertain significance for Hereditary cancer-predisposing syndrome. Last evaluated: 2025-10-18. Review status: criteria provided, single submitter. Criteria: Ambry Variant Classification Scheme 2023. Collection method: clinical testing. Allele origin: germline.
Comment: The c.593-6_593-3delCCTT intronic variant, located in intron 3 of the CHEK2 gene, results from a deletion of 4 nucleotides within intron 3 of the CHEK2 gene. This nucleotide region is generally well conserved in available vertebrate species. In silico splice site analysis predicts that this alteration may weaken the native splice acceptor site and may result in the creation or strengthening of a novel splice acceptor site. RNA studies have demonstrated that this alteration results in a splice defect; the clinical impact of this abnormal splicing is unknown at this time (Ambry internal data). Based on the available evidence, the clinical significance of this variant remains unclear.

Labcorp Genetics (formerly Invitae), Labcorp
Classification: Uncertain significance for Familial cancer of breast. Last evaluated: 2024-03-25. Review status: criteria provided, single submitter. Criteria: Invitae Variant Classification Sherloc (09022015). Collection method: clinical testing. Allele origin: germline.
Comment: This sequence change falls in intron 4 of the CHEK2 gene. It does not directly change the encoded amino acid sequence of the CHEK2 protein. It affects a nucleotide within the consensus splice site. This variant is not present in population databases (gnomAD no frequency). This variant has not been reported in the literature in individuals affected with CHEK2-related conditions. ClinVar contains an entry for this variant (Variation ID: 1208618). Variants that disrupt the consensus splice site are a relatively common cause of aberrant splicing (PMID: 17576681, 9536098). Algorithms developed to predict the effect of sequence changes on RNA splicing suggest that this variant may disrupt the consensus splice site. In summary, the available evidence is currently insufficient to determine the role of this variant in disease. Therefore, it has been classified as a Variant of Uncertain Significance.

GeneDx
Classification: Likely benign. Last evaluated: 2021-04-30. Review status: criteria provided, single submitter. Criteria: GeneDx Variant Classification Process June 2021. Collection method: clinical testing. Allele origin: germline. Affected: yes.

Literature cited by the submitters: PubMed 17576681 (cited by Labcorp Genetics (formerly Invitae), Labcorp); PubMed 9536098 (cited by Labcorp Genetics (formerly Invitae), Labcorp).

NM_007194.4(CHEK2):c.593-6_593-3del

Gene: CHEK2 (checkpoint kinase 2; minus strand). Cytogenetic location: 22q12.1.
Variant type: Deletion.
Coding change: c.593-6_593-3del on transcript NM_007194.4 (MANE Select); 6 bases into the intron before coding-DNA position 593 through 3 bases into the intron before coding-DNA position 593, 4 bases deleted (CCTT; older notation c.593-6_593-3delCCTT).
Molecular consequence: intron variant.
Genome position (GRCh38, 1-based): chr22:28,719,488-28,719,491, AAGG deleted on the plus strand (CCTT on the coding strand, the reverse complement: CHEK2 is on the minus strand); deleting any 4 consecutive bases within chr22:28,719,488-28,719,494 gives the same sequence; the c. name uses the placement nearest the transcript's 3' end. VCF-style (leftmost placement, unchanged base first): chr22-28719487-TAAGG-T. GRCh37 (hg19) VCF-style: chr22-29115475-TAAGG-T.
Other names: c.-71-6_-71-3del (NM_001437942.1, NM_001257387.3); c.482+5395_482+5398del (NM_001349956.3); c.593-6_593-3del (NM_145862.3); c.686-6_686-3del (NM_001438295.1, NM_001438293.1); c.722-6_722-3del (NM_001438294.1, NM_001005735.3).
Identifiers: ClinVar variation 1208618 (VCV001208618.7), dbSNP rs2053697275, ClinGen allele CA1024870273.